The following is an entry in ClinVar:

NM_000834.5(GRIN2B):c.2229T>A (p.Asp743Glu)

Gene: GRIN2B (glutamate ionotropic receptor NMDA type subunit 2B; minus strand). Cytogenetic location: 12p13.1.
Variant type: single nucleotide variant.
Coding change: c.2229T>A on transcript NM_000834.5 (MANE Select); coding-DNA position 2229, T replaced by A.
Protein change: p.Asp743Glu; replaces aspartic acid 743 with glutamic acid.
Molecular consequence: missense variant.
Genome position (GRCh38, 1-based): chr12:13,569,960, A>T on the plus strand (T>A on the coding strand, the complement: GRIN2B is on the minus strand). VCF-style: chr12-13569960-A-T. GRCh37 (hg19) VCF-style: chr12-13722894-A-T.
Other names: short protein forms D743E.
Identifiers: ClinVar variation 1357022 (VCV001357022.8), dbSNP rs1173320185, ClinGen allele CA383998240.

ClinVar aggregate classification (germline): Uncertain significance (1 of 4 stars; one submission).

Conditions:
Intellectual developmental disorder, autosomal dominant 6, with or without seizures. Also called: GRIN2B-related developmental delay, intellectual disability and autism spectrum disorder; Intellectual disability, autosomal dominant 6. Identifiers: Orphanet 589547, MedGen C3151411, MONDO:0013509, OMIM 613970.
Developmental and epileptic encephalopathy, 27 (DEE27). Also called: GRIN2B-Related Neurodevelopmental Disorder; Epileptic encephalopathy, early infantile, 27. Identifiers: Orphanet 3451, MedGen C4015316, MONDO:0014505, OMIM 616139.

Allele frequency attached by ClinVar (database versions not stated): gnomAD exomes below 0.00001.
gnomAD v4.1: 2 of 1,613,046 alleles (0.00012%); highest among the groups gnomAD compares: Admixed American, 0.0033%; no homozygotes.

Submission:

Labcorp Genetics (formerly Invitae), Labcorp
Classification: Uncertain significance for Developmental and epileptic encephalopathy, 27; Intellectual developmental disorder, autosomal dominant 6, with or without seizures. Last evaluated: 2025-09-02. Review status: criteria provided, single submitter. Criteria: Invitae Variant Classification Sherloc (09022015). Collection method: clinical testing. Allele origin: germline.
Comment: This sequence change replaces aspartic acid, which is acidic and polar, with glutamic acid, which is acidic and polar, at codon 743 of the GRIN2B protein (p.Asp743Glu). This variant is present in population databases (no rsID available, gnomAD 0.003%). This variant has not been reported in the literature in individuals affected with GRIN2B-related conditions. ClinVar contains an entry for this variant (Variation ID: 1357022). Invitae Evidence Modeling of protein sequence and biophysical properties (such as structural, functional, and spatial information, amino acid conservation, physicochemical variation, residue mobility, and thermodynamic stability) has been performed for this missense variant. However, the output from this modeling did not meet the statistical confidence thresholds required to predict the impact of this variant on GRIN2B protein function. In summary, the available evidence is currently insufficient to determine the role of this variant in disease. Therefore, it has been classified as a Variant of Uncertain Significance.